The following is an entry in ClinVar:

NM_032590.5(KDM2B):c.2357C>T (p.Pro786Leu)

Gene: KDM2B (lysine demethylase 2B; minus strand). Cytogenetic location: 12q24.31.
Variant type: single nucleotide variant.
Coding change: c.2357C>T on transcript NM_032590.5 (MANE Select); coding-DNA position 2357, C replaced by T.
Protein change: p.Pro786Leu; replaces proline 786 with leucine.
Molecular consequence: missense variant.
Genome position (GRCh38, 1-based): chr12:121,444,106, G>A on the plus strand (C>T on the coding strand, the complement: KDM2B is on the minus strand). VCF-style: chr12-121444106-G-A. GRCh37 (hg19) VCF-style: chr12-121881909-G-A.
Other names: c.2264C>T, p.Pro755Leu (NM_001005366.2, NM_001439025.1, NM_001439026.1); c.2453C>T, p.Pro818Leu (NM_001439014.1, NM_001439015.1); c.2435C>T, p.Pro812Leu (NM_001439016.1); c.2357C>T, p.Pro786Leu (NM_001439017.1, NM_001439018.1); c.2342C>T, p.Pro781Leu (NM_001439020.1); c.2324C>T, p.Pro775Leu (NM_001439021.1); c.2294C>T, p.Pro765Leu (NM_001439022.1, NM_001439023.1, NM_001439029.1); c.2246C>T, p.Pro749Leu (NM_001439028.1); and 1 more; short protein forms P226L, P749L, P755L, P765L, P775L, P781L, P786L, P812L.
Identifiers: ClinVar variation 4084736 (VCV004084736.8).

ClinVar aggregate classification (germline): Likely benign (1 of 4 stars; one submission).

gnomAD v4.1: 90 of 1,613,526 alleles (0.0056%); highest among the groups gnomAD compares: Middle Eastern, 0.049%; no homozygotes.

Submission:

CeGaT Center for Human Genetics Tuebingen
Classification: Likely benign. Last evaluated: 2025-07-01. Review status: criteria provided, single submitter. Criteria: CeGaT Center For Human Genetics Tuebingen Variant Classification Criteria Version 2. Collection method: clinical testing. Allele origin: germline. Affected: yes. Observed: 1 variant allele.
Comment: KDM2B: BS2